The following is an entry in ClinVar:

NM_000260.4(MYO7A):c.3056G>A (p.Arg1019Gln)

Gene: MYO7A (myosin VIIA; plus strand). Cytogenetic location: 11q13.5.
Variant type: single nucleotide variant.
Coding change: c.3056G>A on transcript NM_000260.4 (MANE Select); coding-DNA position 3056, G replaced by A.
Protein change: p.Arg1019Gln; replaces arginine 1019 with glutamine.
Molecular consequence: missense variant.
Genome position (GRCh38, 1-based): chr11:77,182,102, G>A. VCF-style: chr11-77182102-G-A. GRCh37 (hg19) VCF-style: chr11-76893148-G-A.
Other names: c.3056G>A, p.Arg1019Gln (NM_001127180.2); c.3023G>A, p.Arg1008Gln (NM_001369365.1); short protein forms R1019Q, R1008Q.
Identifiers: ClinVar variation 964396 (VCV000964396.11), dbSNP rs782204607, ClinGen allele CA224841770.

ClinVar aggregate classification (germline): Uncertain significance. Review status: criteria provided, multiple submitters, no conflicts (2 of 4 stars). 5 submissions from 5 submitters: Uncertain significance (4). 1 of the submissions does not count toward it. Last evaluated 2025-11-05.

Conditions:
MYO7A-related disorder. Also called: MYO7A-related disorders.
Inborn genetic diseases. Identifiers: MedGen C0950123, MeSH D030342.
Usher syndrome type 1B (USH1B). Also called: Usher syndrome type IB. Identifiers: MedGen C1848638, MONDO:0700087.

Allele frequency attached by ClinVar (database versions not stated): gnomAD 0.00001 and 0.00002; gnomAD exomes 0.00001 and 0.00002; ExAC 0.00002; TOPMed 0.00003.
gnomAD v4.1: 21 of 1,613,344 alleles (0.0013%); highest among the groups gnomAD compares: African/African-American, 0.0027%; no homozygotes.

Submissions (5):

Ambry Genetics
Classification: Uncertain significance for Inborn genetic diseases. Last evaluated: 2025-11-05. Review status: criteria provided, single submitter. Criteria: Ambry Variant Classification Scheme 2023. Collection method: clinical testing. Allele origin: germline.

Labcorp Genetics (formerly Invitae), Labcorp
Classification: Uncertain significance. Last evaluated: 2025-04-26. Review status: criteria provided, single submitter. Criteria: Invitae Variant Classification Sherloc (09022015). Collection method: clinical testing. Allele origin: germline.
Comment: This sequence change replaces arginine, which is basic and polar, with glutamine, which is neutral and polar, at codon 1019 of the MYO7A protein (p.Arg1019Gln). This variant is present in population databases (rs782204607, gnomAD 0.006%). This variant has not been reported in the literature in individuals affected with MYO7A-related conditions. ClinVar contains an entry for this variant (Variation ID: 964396). Invitae Evidence Modeling of protein sequence and biophysical properties (such as structural, functional, and spatial information, amino acid conservation, physicochemical variation, residue mobility, and thermodynamic stability) indicates that this missense variant is not expected to disrupt MYO7A protein function with a negative predictive value of 95%. In summary, the available evidence is currently insufficient to determine the role of this variant in disease. Therefore, it has been classified as a Variant of Uncertain Significance.

PreventionGenetics, part of Exact Sciences
Classification: Uncertain significance for MYO7A-related condition. Last evaluated: 2024-10-25. Review status: criteria provided, single submitter. Criteria: ACMG Guidelines, 2015. Collection method: clinical testing. Allele origin: germline.
Comment: The MYO7A c.3056G>A variant is predicted to result in the amino acid substitution p.Arg1019Gln. To our knowledge, this variant has not been reported in the literature. This variant is reported in 0.0065% of alleles in individuals of South Asian descent in gnomAD. At this time, the clinical significance of this variant is uncertain due to the absence of conclusive functional and genetic evidence.

Blueprint Genetics
Classification: Uncertain significance. Last evaluated: 2018-11-05. Review status: criteria provided, single submitter. Criteria: ACMG Guidelines, 2015. Collection method: clinical testing. Allele origin: germline.

Natera, Inc.
Classification: Uncertain significance for Usher syndrome type 1B. Last evaluated: 2021-07-09. Review status: no assertion criteria provided. Collection method: clinical testing. Allele origin: germline. Not counted in ClinVar's aggregate classification.